The following is an entry in ClinVar:

ClinVar aggregate classification (germline): Pathogenic/Likely pathogenic. Review status: criteria provided, multiple submitters, no conflicts (2 of 4 stars). 3 submissions from 3 submitters: Pathogenic (2); Likely pathogenic (1). Last evaluated 2024-11-14.

Conditions:
Cardiovascular phenotype. Identifiers: MedGen CN230736.
Telangiectasia, hereditary hemorrhagic, type 2 (HHT2). Also called: ACVRL1-Related Hereditary Hemorrhagic Telangiectasia; Telangiectasia, hereditary hemorrhagic, type II. Identifiers: Orphanet 774, MedGen C1838163, MONDO:0010880, OMIM 600376. Disease mechanism: loss of function.

Submissions (3):

ARUP Laboratories, Molecular Genetics and Genomics, ARUP Laboratories
Classification: Likely pathogenic for Telangiectasia, hereditary hemorrhagic, type 2. Last evaluated: 2024-11-14. Review status: criteria provided, single submitter. Criteria: ARUP Molecular Germline Variant Investigation Process 2024. Collection method: clinical testing. Allele origin: germline.
Comment: The ACVRL1 c.1036_1040del; p.Ile346ArgfsTer44 variant (rs1565594524), to our knowledge, is not reported in the medical literature but is reported in ClinVar (Variation ID: 581902). This variant is also absent from the Genome Aggregation Database (v2.1.1), indicating it is not a common polymorphism. This variant causes a frameshift by deleting five nucleotides, so it is predicted to result in a truncated protein or mRNA subject to nonsense-mediated decay. Based on available information, this variant is considered to be likely pathogenic.

Ambry Genetics
Classification: Pathogenic for Cardiovascular phenotype. Last evaluated: 2021-12-15. Review status: criteria provided, single submitter. Criteria: Ambry Variant Classification Scheme 2023. Collection method: clinical testing. Allele origin: germline.
Comment: The c.1036_1040delATCGC pathogenic mutation, located in coding exon 6 of the ACVRL1 gene, results from a deletion of 5 nucleotides at nucleotide positions 1036 to 1040, causing a translational frameshift with a predicted alternate stop codon (p.I346Rfs*44). This alteration has been observed in at least one individual with a personal and/or family history that is consistent with hereditary hemorrhagic telangiectasia (Ambry internal data). This variant is considered to be rare based on population cohorts in the Genome Aggregation Database (gnomAD). This alteration is expected to result in loss of function by premature protein truncation or nonsense-mediated mRNA decay. As such, this alteration is interpreted as a disease-causing mutation.

Labcorp Genetics (formerly Invitae), Labcorp
Classification: Pathogenic for Telangiectasia, hereditary hemorrhagic, type 2. Last evaluated: 2018-04-25. Review status: criteria provided, single submitter. Criteria: Invitae Variant Classification Sherloc (09022015). Collection method: clinical testing. Allele origin: germline.
Comment: Loss-of-function variants in ACVRL1 are known to be pathogenic (PMID: 15879500). For these reasons, this variant has been classified as Pathogenic. This variant has not been reported in the literature in individuals with ACVRL1-related disease. This variant is not present in population databases (ExAC no frequency). This sequence change creates a premature translational stop signal (p.Ile346Argfs*44) in the ACVRL1 gene. It is expected to result in an absent or disrupted protein product.

Literature cited by the submitters: PubMed 15879500 (cited by Labcorp Genetics (formerly Invitae), Labcorp).

NM_000020.3(ACVRL1):c.1036_1040del (p.Ile346fs)

Gene: ACVRL1 (activin A receptor like type 1; plus strand). Cytogenetic location: 12q13.13.
Variant type: Deletion.
Coding change: c.1036_1040del on transcript NM_000020.3 (MANE Select); coding-DNA positions 1036 to 1040, 5 bases deleted (ATCGC; older notation c.1036_1040delATCGC).
Protein change: p.Ile346fs; shifts the reading frame from isoleucine 346.
Molecular consequence: frameshift variant.
Genome position (GRCh38, 1-based): chr12:51,915,488-51,915,492, ATCGC deleted; deleting any 5 consecutive bases within chr12:51,915,486-51,915,492 gives the same sequence; the c. name uses the placement nearest the transcript's 3' end. VCF-style (leftmost placement, unchanged base first): chr12-51915485-TGCATC-T. GRCh37 (hg19) VCF-style: chr12-52309269-TGCATC-T.
Other names: c.1036_1040delATCGC (NM_000020.2); c.1036_1040del, p.Ile346fs (NM_001077401.2); short protein forms I346fs.
Identifiers: ClinVar variation 581902 (VCV000581902.9), dbSNP rs1565594524, ClinGen allele CA891843495.